The following is an entry in ClinVar:

NM_001393797.1(ABCC12):c.1902C>T (p.Asp634=)

Gene: ABCC12 (ATP binding cassette subfamily C member 12; minus strand). Cytogenetic location: 16q12.1.
Variant type: single nucleotide variant.
Coding change: c.1902C>T on transcript NM_001393797.1 (MANE Select); coding-DNA position 1902, C replaced by T.
Protein change: p.Asp634=; no amino-acid change (aspartic acid 634 retained).
Molecular consequence: synonymous variant. On other transcripts: non-coding transcript variant (6).
Genome position (GRCh38, 1-based): chr16:48,115,502, G>A on the plus strand (C>T on the coding strand, the complement: ABCC12 is on the minus strand). VCF-style: chr16-48115502-G-A. GRCh37 (hg19) VCF-style: chr16-48149413-G-A.
Other names: c.1902C>T, p.Asp634= (NM_033226.3).
Identifiers: ClinVar variation 4981663 (VCV004981663.1).

ClinVar aggregate classification (germline): Likely benign (1 of 4 stars; one submission).

Conditions:
ABCC12-related condition.

gnomAD v4.1: 28 of 1,614,190 alleles (0.0017%); highest among the groups gnomAD compares: Middle Eastern, 0.016%; no homozygotes.

Submission:

PreventionGenetics, part of Exact Sciences
Classification: Likely benign for ABCC12-related condition. Last evaluated: 2026-08-20. Review status: criteria provided, single submitter. Criteria: ACMG Guidelines, 2015. Collection method: clinical testing. Allele origin: germline.
Comment: This variant is classified as likely benign based on ACMG/AMP sequence variant interpretation guidelines (Richards et al. 2015 PMID: 25741868, with internal and published modifications).